The following is an entry in ClinVar:

ClinVar aggregate classification (germline): Likely benign. Review status: criteria provided, multiple submitters, no conflicts (2 of 4 stars). 4 submissions from 4 submitters: Likely benign (4). Last evaluated 2025-12-28.

Conditions:
FG syndrome (FGS). Identifiers: MedGen C0220769, MONDO:0002010.
Familial thoracic aortic aneurysm and aortic dissection (TAAD). Also called: Thoracic aortic aneurysms and dissections. Identifiers: Orphanet 91387, MedGen C4707243, MONDO:0019625.

Allele frequency attached by ClinVar (database versions not stated): gnomAD exomes 0.00003 and 0.00006; ExAC 0.00005; TOPMed 0.00007; gnomAD 0.00008.
gnomAD v4.1: 71 of 1,209,579 alleles (0.0059%); highest among the groups gnomAD compares: Non-Finnish European, 0.0077%; no homozygotes.

Submissions (4):

Labcorp Genetics (formerly Invitae), Labcorp
Classification: Likely benign for FG syndrome. Last evaluated: 2025-12-28. Review status: criteria provided, single submitter. Criteria: Invitae Variant Classification Sherloc (09022015). Collection method: clinical testing. Allele origin: germline.

Mayo Clinic Laboratories, Mayo Clinic
Classification: Likely benign. Last evaluated: 2025-01-02. Review status: criteria provided, single submitter. Criteria: ACMG Guidelines, 2015. Collection method: clinical testing. Allele origin: germline. Observed: 1 variant allele.
Comment: BS2, BP4_moderate

GeneDx
Classification: Likely benign. Last evaluated: 2020-04-30. Review status: criteria provided, single submitter. Criteria: GeneDx Variant Classification Process June 2021. Collection method: clinical testing. Allele origin: germline. Affected: yes.

Ambry Genetics
Classification: Likely benign for Familial thoracic aortic aneurysm and aortic dissection. Last evaluated: 2018-09-21. Review status: criteria provided, single submitter. Criteria: Ambry Variant Classification Scheme 2023. Collection method: clinical testing. Allele origin: germline.

NM_005120.3(MED12):c.1028C>T (p.Ser343Leu)

Gene: MED12 (mediator complex subunit 12; plus strand). Cytogenetic location: Xq13.1.
Variant type: single nucleotide variant.
Coding change: c.1028C>T on transcript NM_005120.3 (MANE Select); coding-DNA position 1028, C replaced by T.
Protein change: p.Ser343Leu; replaces serine 343 with leucine.
Molecular consequence: missense variant.
Genome position (GRCh38, 1-based): chrX:71,121,743, C>T. VCF-style: chrX-71121743-C-T. GRCh37 (hg19) VCF-style: chrX-70341593-C-T.
Other names: p.Ser343Leu; short protein forms S343L.
Identifiers: ClinVar variation 213630 (VCV000213630.17), dbSNP rs764107388, ClinGen allele CA321145.